The following is an entry in ClinVar:

ClinVar aggregate classification (germline): Likely pathogenic (1 of 4 stars; one submission).

Conditions:
Inborn genetic diseases. Identifiers: MedGen C0950123, MeSH D030342.

Submission:

Ambry Genetics
Classification: Likely pathogenic for Inborn genetic diseases. Last evaluated: 2023-09-05. Review status: criteria provided, single submitter. Criteria: Ambry Variant Classification Scheme 2023. Collection method: clinical testing. Allele origin: germline.
Comment: The c.3227T>C (p.L1076P) alteration is located in exon 12 (coding exon 12) of the IQSEC2 gene. This alteration results from a T to C substitution at nucleotide position 3227, causing the leucine (L) at amino acid position 1076 to be replaced by a proline (P). This variant was not reported in population-based cohorts in the Genome Aggregation Database (gnomAD). This variant has been reported as heterozygous in one individual with clinical features consistent with IQSEC2-related neurodevelopmental disorder (Ganapathy, 2019). This amino acid position is highly conserved in available vertebrate species. This missense alteration is located in a region that has a low rate of benign missense variation (Lek, 2016; Firth, 2009). This alteration is predicted to be deleterious by in silico analysis. Based on the available evidence, this alteration is classified as likely pathogenic.

Literature cited by the submitters: PubMed 31069529.

NM_001111125.3(IQSEC2):c.3227T>C (p.Leu1076Pro)

Gene: IQSEC2 (IQ motif and Sec7 domain ArfGEF 2; minus strand). Cytogenetic location: Xp11.22.
Variant type: single nucleotide variant.
Coding change: c.3227T>C on transcript NM_001111125.3 (MANE Select); coding-DNA position 3227, T replaced by C.
Protein change: p.Leu1076Pro; replaces leucine 1076 with proline.
Molecular consequence: missense variant.
Genome position (GRCh38, 1-based): chrX:53,238,195, A>G on the plus strand (T>C on the coding strand, the complement: IQSEC2 is on the minus strand). VCF-style: chrX-53238195-A-G. GRCh37 (hg19) VCF-style: chrX-53267377-A-G.
Other names: c.3227T>C, p.Leu1076Pro (NM_001410736.1); c.2612T>C, p.Leu871Pro (NM_015075.2); short protein forms L871P, L1076P.
Identifiers: ClinVar variation 2616580 (VCV002616580.2), dbSNP rs2519705025, ClinGen allele CA413146439.